The following is an entry in ClinVar:

NM_000059.4(BRCA2):c.9961C>T (p.Gln3321Ter)

Gene: BRCA2 (BRCA2 DNA repair associated; plus strand). Cytogenetic location: 13q13.1.
Variant type: single nucleotide variant.
Coding change: c.9961C>T on transcript NM_000059.4 (MANE Select); coding-DNA position 9961, C replaced by T.
Protein change: p.Gln3321Ter; replaces glutamine 3321 with a stop codon.
Molecular consequence: nonsense.
Genome position (GRCh38, 1-based): chr13:32,398,474, C>T. VCF-style: chr13-32398474-C-T. GRCh37 (hg19) VCF-style: chr13-32972611-C-T.
Other names: short protein forms Q3321*.
Identifiers: ClinVar variation 569347 (VCV000569347.8), dbSNP rs1566261240, ClinGen allele CA387767390.

ClinVar aggregate classification (germline): Uncertain significance. Review status: criteria provided, multiple submitters, no conflicts (2 of 4 stars). 2 submissions from 2 submitters: Uncertain significance (2). Last evaluated 2024-12-23.

Conditions:
Hereditary cancer-predisposing syndrome. Also called: Hereditary neoplastic syndrome; Tumor predisposition; Neoplastic Syndromes, Hereditary; Hereditary Cancer Syndrome. Identifiers: Orphanet 140162, MedGen C0027672, MeSH D009386, MONDO:0015356.
Hereditary breast ovarian cancer syndrome. Also called: Hereditary breast and ovarian cancer syndrome; Breast and ovarian cancer; Hereditary breast and ovarian cancer; Hereditary breast and/or ovarian cancer syndrome; Hereditary breast and ovarian cancer syndrome (HBOC); BRCA1- and BRCA2-Associated Hereditary Breast and Ovarian Cancer. Identifiers: Orphanet 145, MedGen C0677776, MeSH D061325, MONDO:0003582. Disease mechanism: loss of function.

Allele frequency attached by ClinVar (database versions not stated): gnomAD exomes below 0.00001.
gnomAD v4.1: 1 of 1,614,146 alleles (0.000062%); highest among the groups gnomAD compares: Non-Finnish European, 0.000085%; no homozygotes.

Submissions (2):

Ambry Genetics
Classification: Uncertain significance for Hereditary cancer-predisposing syndrome. Last evaluated: 2024-12-23. Review status: criteria provided, single submitter. Criteria: Ambry Variant Classification Scheme 2023. Collection method: clinical testing. Allele origin: germline.
Comment: The p.Q3321* variant (also known as c.9961C>T), located in coding exon 26 of the BRCA2 gene, results from a C to T substitution at nucleotide position 9961. This changes the amino acid from a glutamine to a stop codon within coding exon 26. This alteration occurs at the 3' terminus of theBRCA2 gene, is not expected to trigger nonsense-mediated mRNAdecay, and impacts the last 2.9% of the protein. The exact functional effect of this alteration is unknown. Based on the available evidence, the clinical significance of this variant remains unclear.

Labcorp Genetics (formerly Invitae), Labcorp
Classification: Uncertain significance for Hereditary breast ovarian cancer syndrome. Last evaluated: 2024-11-04. Review status: criteria provided, single submitter. Criteria: Invitae Variant Classification Sherloc (09022015). Collection method: clinical testing. Allele origin: germline.
Comment: This sequence change creates a premature translational stop signal (p.Gln3321*) in the BRCA2 gene. While this is not anticipated to result in nonsense mediated decay, it is expected to disrupt the last 98 amino acid(s) of the BRCA2 protein. This variant is not present in population databases (gnomAD no frequency). This variant has not been reported in the literature in individuals affected with BRCA2-related conditions. ClinVar contains an entry for this variant (Variation ID: 569347). In summary, the available evidence is currently insufficient to determine the role of this variant in disease. Therefore, it has been classified as a Variant of Uncertain Significance.

Literature cited by the submitters: PubMed 8896551 (cited by Ambry Genetics).